The following is an entry in ClinVar:

NC_000007.14:g.(?_117606659)_(117606786_?)del

Gene: CFTR (CF transmembrane conductance regulator; plus strand). Cytogenetic location: 7q31.2.
Variant type: Deletion.
Identifiers: ClinVar variation 831218 (VCV000831218.5).

ClinVar aggregate classification (germline): Pathogenic (1 of 4 stars; one submission).

Conditions:
Cystic fibrosis (CF). Also called: MUCOVISCIDOSIS. Identifiers: Orphanet 586, MedGen C0010674, MONDO:0009061, OMIM 219700. Disease mechanism: loss of function.

Submission:

Labcorp Genetics (formerly Invitae), Labcorp
Classification: Pathogenic for Cystic fibrosis. Last evaluated: 2019-05-10. Review status: criteria provided, single submitter. Criteria: Invitae Variant Classification Sherloc (09022015). Collection method: clinical testing. Allele origin: germline.
Comment: For these reasons, this variant has been classified as Pathogenic. Loss-of-function variants in CFTR are known to be pathogenic (PMID: 1695717, 7691345, 9725922). A similar deletion has been reported in the literature in an individual with CFTR-related conditions (PMID: 20052766). This variant is known as a deletion of exon 16 in the literature. This variant is an out-of-frame deletion of the genomic region encompassing exon 18 of the CFTR gene. This is expected to create a premature translational stop signal and result in an absent or disrupted protein product.

Literature cited by the submitters: PubMed 1695717; PubMed 7691345; PubMed 9725922; PubMed 20052766.